The following is an entry in ClinVar:

ClinVar aggregate classification (germline): Pathogenic (1 of 4 stars; one submission).

Conditions:
Megabladder, congenital. Identifiers: MedGen C5231472, MONDO:0032879, OMIM 618719.

Submission:

Department of Medical Genetics, International Peace Maternity and Child Health Hospital, Shanghai Jiao Tong University School of Medicine
Classification: Pathogenic for Megabladder, congenital. Last evaluated: 2026-05-01. Review status: criteria provided, single submitter. Criteria: ACMG Guidelines, 2015. Collection method: research. Allele origin: germline. Affected: yes.
Comment: The canonical splice-site variant c.1125+1G>A is predicted to cause exon 9 skipping, resulting in a frameshift (p.Glu325SerfsTer4) and subsequent NMD. Loss-of-function variants in MYOCD are known to be pathogenic (PMID: 31513549) (PVS1). This variant was not reported in population-based cohorts in the Genome Aggregation Database (gnomAD). For these reasons, this variant has been classified as Pathogenic.

Literature cited by the submitters: PubMed 31513549.

NM_001146312.3(MYOCD):c.1125+1G>A

Gene: MYOCD (myocardin; plus strand). Cytogenetic location: 17p12.
Variant type: single nucleotide variant.
Coding change: c.1125+1G>A on transcript NM_001146312.3 (MANE Select); the canonical splice donor site of the intron after coding-DNA position 1125, G replaced by A.
Molecular consequence: splice donor variant.
Genome position (GRCh38, 1-based): chr17:12,746,073, G>A. VCF-style: chr17-12746073-G-A. GRCh37 (hg19) VCF-style: chr17-12649390-G-A.
Other names: c.888+1G>A (NM_001378306.1); c.1125+1G>A (NM_153604.4).
Identifiers: ClinVar variation 4850868 (VCV004850868.1).
Genomic context (GRCh38, chr17:12,746,073, plus strand): 5'-CAAACTGGTGTCTCTTCTTTCAAACCAGGCCCACTCCCACCTAACCTGGATGATCTGAAG[G>A]TATAGGATTTGACATGAGTTTCTTTCTTTTTTTAAACAAATACAACAGTATGTTGTTAAC-3'